The following is an entry in ClinVar:

NM_015202.5(KATNIP):c.4246A>G (p.Ile1416Val)

Gene: KATNIP (katanin interacting protein; plus strand). Cytogenetic location: 16p12.1.
Variant type: single nucleotide variant.
Coding change: c.4246A>G on transcript NM_015202.5 (MANE Select); coding-DNA position 4246, A replaced by G.
Protein change: p.Ile1416Val; replaces isoleucine 1416 with valine.
Molecular consequence: missense variant.
Genome position (GRCh38, 1-based): chr16:27,773,146, A>G. VCF-style: chr16-27773146-A-G. GRCh37 (hg19) VCF-style: chr16-27784467-A-G.
Other names: c.4246A>G (NM_015202.2); short protein forms I1416V.
Identifiers: ClinVar variation 1955430 (VCV001955430.4), dbSNP rs752179872, ClinGen allele CA7978559.

ClinVar aggregate classification (germline): Uncertain significance. Review status: criteria provided, multiple submitters, no conflicts (2 of 4 stars). 2 submissions from 2 submitters: Uncertain significance (2). Last evaluated 2023-12-11.

Allele frequency attached by ClinVar (database versions not stated): gnomAD exomes below 0.00001; ExAC 0.00001.
gnomAD v4.1: 5 of 1,612,838 alleles (0.00031%); highest among the groups gnomAD compares: Admixed American, 0.005%; no homozygotes.

Submissions (2):

Labcorp Genetics (formerly Invitae), Labcorp
Classification: Uncertain significance. Last evaluated: 2023-12-11. Review status: criteria provided, single submitter. Criteria: Invitae Variant Classification Sherloc (09022015). Collection method: clinical testing. Allele origin: germline.
Comment: This sequence change replaces isoleucine, which is neutral and non-polar, with valine, which is neutral and non-polar, at codon 1416 of the KIAA0556 protein (p.Ile1416Val). This variant is present in population databases (rs752179872, gnomAD 0.009%). This variant has not been reported in the literature in individuals affected with KIAA0556-related conditions. ClinVar contains an entry for this variant (Variation ID: 1955430). An algorithm developed to predict the effect of missense changes on protein structure and function (PolyPhen-2) suggests that this variant¬†is likely to be tolerated. In summary, the available evidence is currently insufficient to determine the role of this variant in disease. Therefore, it has been classified as a Variant of Uncertain Significance.

Ambry Genetics
Classification: Uncertain significance. Last evaluated: 2021-02-08. Review status: criteria provided, single submitter. Criteria: Ambry Variant Classification Scheme 2023. Collection method: clinical testing. Allele origin: germline.